The following is an entry in ClinVar:

NM_001197104.2(KMT2A):c.4543_4573del (p.Pro1515fs)

Gene: KMT2A (lysine methyltransferase 2A; plus strand). Cytogenetic location: 11q23.3.
Variant type: Deletion.
Coding change: c.4543_4573del on transcript NM_001197104.2 (MANE Select); coding-DNA positions 4543 to 4573, 31 bases deleted.
Protein change: p.Pro1515fs; shifts the reading frame from proline 1515.
Molecular consequence: frameshift variant.
Genome position (GRCh38, 1-based): chr11:118,489,855-118,489,885, 31 bases deleted. GRCh37 (hg19): chr11:118,360,570-118,360,600.
Other names: c.4642_4672del, p.Pro1548fs (NM_001412597.1); c.4543_4573del, p.Pro1515fs (NM_005933.4); short protein forms P1515fs, P1548fs.
Identifiers: ClinVar variation 4072427 (VCV004072427.2).

ClinVar aggregate classification (germline): Pathogenic (1 of 4 stars; one submission).

Conditions:
Wiedemann-Steiner syndrome (WDSTS). Also called: Growth deficiency and mental retardation with facial dysmorphism. Identifiers: Orphanet 319182, MedGen C1854630, MONDO:0011518, OMIM 605130.

Submission:

Juno Genomics, Hangzhou Juno Genomics, Inc
Classification: Pathogenic for Wiedemann-Steiner syndrome. Review status: criteria provided, single submitter. Criteria: ACMG Guidelines, 2015. Collection method: clinical testing. Allele origin: germline. Affected: yes.
Comment: Absent from controls (or at extremely low frequency if recessive) in Genome Aggregation Database, Exome Sequencing Project, 1000 Genomes Project, or Exome Aggregation Consortium.;De novo (both maternity and paternity confirmed) in a patient with the disease and no family history.;Null variant in a gene where loss of function (LOF) is a known mechanism of disease.